The following is an entry in ClinVar:

NM_001365999.1(SZT2):c.8635C>T (p.Arg2879Cys)

Gene: SZT2 (SZT2 subunit of KICSTOR complex; plus strand). Cytogenetic location: 1p34.2.
Variant type: single nucleotide variant.
Coding change: c.8635C>T on transcript NM_001365999.1 (MANE Select); coding-DNA position 8635, C replaced by T.
Protein change: p.Arg2879Cys; replaces arginine 2879 with cysteine.
Molecular consequence: missense variant.
Genome position (GRCh38, 1-based): chr1:43,443,606, C>T. VCF-style: chr1-43443606-C-T. GRCh37 (hg19) VCF-style: chr1-43909277-C-T.
Other names: c.8464C>T, p.Arg2822Cys (NM_015284.4); c.8464C>T (NM_015284.3); short protein forms R2822C, R2879C.
Identifiers: ClinVar variation 1058926 (VCV001058926.13), dbSNP rs769509671, ClinGen allele CA810641.
Genomic context (GRCh38, chr1:43,443,606, plus strand): 5'-AGCAGGATGGTTGACAGTGGGGAGAGTCTTCCTTGATCTTTACTCTCATAGCGGCGCCAT[C>T]GCCCTGAGTCAGGGTCTGGGAGCCGAGAGGCCCCCACAAGCTGTGAATCCTTGGATGTGT-3'
Protein context (NP_001352928.1, residues 2869-2889): SGPPDGQRRH[Arg2879Cys]PESGSGSREA

ClinVar aggregate classification (germline): Uncertain significance. Review status: criteria provided, multiple submitters, no conflicts (2 of 4 stars). 4 submissions from 4 submitters: Uncertain significance (4). Last evaluated 2025-01-18.

Conditions:
Developmental and epileptic encephalopathy, 18 (DEE18). Also called: Early infantile epileptic encephalopathy 18. Identifiers: Orphanet 369894, MedGen C3809624, MONDO:0014201, OMIM 615476.

Allele frequency attached by ClinVar (database versions not stated): gnomAD exomes below 0.00001 and 0.00001; ExAC 0.00001; gnomAD 0.00001.
gnomAD v4.1: 15 of 1,614,038 alleles (0.00093%); highest among the groups gnomAD compares: South Asian, 0.0099%; no homozygotes.

Submissions (4):

GeneDx
Classification: Uncertain significance. Last evaluated: 2025-01-18. Review status: criteria provided, single submitter. Criteria: GeneDx Variant Classification Process June 2021. Collection method: clinical testing. Allele origin: germline. Affected: yes.
Comment: Not observed at significant frequency in large population cohorts (gnomAD); In silico analysis supports that this missense variant has a deleterious effect on protein structure/function; Has not been previously published as pathogenic or benign to our knowledge

Labcorp Genetics (formerly Invitae), Labcorp
Classification: Uncertain significance. Last evaluated: 2024-04-03. Review status: criteria provided, single submitter. Criteria: Invitae Variant Classification Sherloc (09022015). Collection method: clinical testing. Allele origin: germline.
Comment: This sequence change replaces arginine, which is basic and polar, with cysteine, which is neutral and slightly polar, at codon 2822 of the SZT2 protein (p.Arg2822Cys). This variant is present in population databases (rs769509671, gnomAD 0.003%). This variant has not been reported in the literature in individuals affected with SZT2-related conditions. ClinVar contains an entry for this variant (Variation ID: 1058926). Advanced modeling of protein sequence and biophysical properties (such as structural, functional, and spatial information, amino acid conservation, physicochemical variation, residue mobility, and thermodynamic stability) performed at Invitae indicates that this missense variant is not expected to disrupt SZT2 protein function with a negative predictive value of 80%. In summary, the available evidence is currently insufficient to determine the role of this variant in disease. Therefore, it has been classified as a Variant of Uncertain Significance.

Genome-Nilou Lab
Classification: Uncertain significance for Developmental and epileptic encephalopathy, 18. Last evaluated: 2023-04-11. Review status: criteria provided, single submitter. Criteria: ACMG Guidelines, 2015. Collection method: clinical testing. Allele origin: germline. Affected: no.

Revvity Omics, Revvity
Classification: Uncertain significance for Developmental and epileptic encephalopathy, 18. Last evaluated: 2019-10-11. Review status: criteria provided, single submitter. Criteria: ACMG Guidelines, 2015. Collection method: clinical testing. Allele origin: germline.